The following is an entry in ClinVar:

ClinVar aggregate classification (germline): Uncertain significance (1 of 4 stars; one submission).

Conditions:
Glycogen storage disease due to muscle and heart glycogen synthase deficiency. Also called: GSD 0b; MUSCLE GLYCOGEN SYNTHASE DEFICIENCY. Identifiers: Orphanet 137625, MedGen C1969054, MONDO:0012693, OMIM 611556.

Submission:

Labcorp Genetics (formerly Invitae), Labcorp
Classification: Uncertain significance for Glycogen storage disease due to muscle and heart glycogen synthase deficiency. Last evaluated: 2019-09-10. Review status: criteria provided, single submitter. Criteria: Invitae Variant Classification Sherloc (09022015). Collection method: clinical testing. Allele origin: germline.
Comment: This variant has not been reported in the literature in individuals with GYS1-related conditions. In summary, the available evidence is currently insufficient to determine the role of this variant in disease. Therefore, it has been classified as a Variant of Uncertain Significance. Experimental studies and prediction algorithms are not available or were not evaluated for this variant, and the functional significance of this variant is currently unknown. This variant is present in population databases (rs764928908, ExAC 0.002%). This variant, c.1452_1454del, results in the deletion of 1 amino acid(s) of the GYS1 protein (p.Thr485del), but otherwise preserves the integrity of the reading frame.

NM_002103.5(GYS1):c.1452_1454del (p.Thr485del)

Gene: GYS1 (glycogen synthase 1; minus strand). Cytogenetic location: 19q13.33.
Variant type: Deletion.
Coding change: c.1452_1454del on transcript NM_002103.5 (MANE Select); coding-DNA positions 1452 to 1454, 3 bases deleted (CAC; older notation c.1452_1454delCAC).
Protein change: p.Thr485del; deletes threonine 485.
Molecular consequence: inframe deletion. On other transcripts: non-coding transcript variant (1).
Genome position (GRCh38, 1-based): chr19:48,974,308-48,974,310, GTG deleted on the plus strand (CAC on the coding strand, the reverse complement: GYS1 is on the minus strand); deleting any 3 consecutive bases within chr19:48,974,308-48,974,311 gives the same sequence; the c. name uses the placement nearest the transcript's 3' end. VCF-style (leftmost placement, unchanged base first): chr19-48974307-TGTG-T. GRCh37 (hg19) VCF-style: chr19-49477564-TGTG-T.
Other names: c.1260_1262del, p.Thr421del (NM_001161587.2); short protein forms T421del, T485del.
Identifiers: ClinVar variation 938668 (VCV000938668.9), dbSNP rs764928908, ClinGen allele CA9562934.